The following is an entry in ClinVar:

NM_004208.4(AIFM1):c.1696T>A (p.Phe566Ile)

Genes: AIFM1 (apoptosis inducing factor mitochondria associated 1; minus strand), RAB33A (RAB33A, member RAS oncogene family; plus strand). Cytogenetic location: Xq26.1.
Variant type: single nucleotide variant.
Coding change: c.1696T>A on transcript NM_004208.4 (MANE Select); coding-DNA position 1696, T replaced by A.
Protein change: p.Phe566Ile; replaces phenylalanine 566 with isoleucine.
Molecular consequence: missense variant. On other transcripts: 3 prime UTR variant (1), non-coding transcript variant (1).
Genome position (GRCh38, 1-based): chrX:130,130,044, A>T on the plus strand (T>A on the coding strand, the complement: AIFM1 is on the minus strand). VCF-style: chrX-130130044-A-T. GRCh37 (hg19) VCF-style: chrX-129264019-A-T.
Other names: c.679T>A, p.Phe227Ile (NM_001130846.4); c.*924T>A (NM_001130847.4); c.1684T>A, p.Phe562Ile (NM_145812.3); short protein forms F227I, F562I, F566I.
Identifiers: ClinVar variation 2444375 (VCV002444375.2), dbSNP rs2523099540, ClinGen allele CA414568176.

ClinVar aggregate classification (germline): Uncertain significance. Review status: criteria provided, multiple submitters, no conflicts (2 of 4 stars). 2 submissions from 2 submitters: Uncertain significance (2). Last evaluated 2023-02-23.

Conditions:
Spondyloepimetaphyseal dysplasia, Bieganski type. Also called: SEMD X-linked with mental deterioration; Leukoencephalopathy with metaphyseal chondrodysplasia; Spondyloepimetaphyseal dysplasia, X-linked, with hypomyelinating leukodystrophy. Identifiers: Orphanet 168448, Orphanet 83629, MedGen C1846148, MONDO:0010275, OMIM 300232.

Submissions (2):

3billion
Classification: Uncertain significance for Spondyloepimetaphyseal dysplasia, Bieganski type. Last evaluated: 2023-02-23. Review status: criteria provided, single submitter. Criteria: ACMG Guidelines, 2015. Collection method: clinical testing. Allele origin: unknown. Affected: yes.
Comment: The variant is not observed in the gnomAD v2.1.1 dataset. Missense changes are a common disease-causing mechanism. In silico tool predictions suggest damaging effect of the variant on gene or gene product (REVEL: 0.87; 3Cnet: 0.93). Therefore, this variant is classified as VUS according to the recommendation of ACMG/AMP guideline.

Blueprint Genetics
Classification: Uncertain significance. Last evaluated: 2020-09-17. Review status: criteria provided, single submitter. Criteria: ACMG Guidelines, 2015. Collection method: clinical testing. Allele origin: germline.